The following is an entry in ClinVar:

ClinVar aggregate classification (germline): Likely benign (1 of 4 stars; one submission).

Allele frequency attached by ClinVar (database versions not stated): gnomAD exomes 0.00068; 1000 Genomes Project 0.00559; 1000 Genomes Project 30x 0.00625; gnomAD 0.00673 and 0.00724; TOPMed 0.00757.
gnomAD v4.1: 1,946 of 1,464,318 alleles (0.13%); highest among the groups gnomAD compares: African/African-American, 2.5%; 24 homozygotes.

Submission:

GeneDx
Classification: Likely benign. Last evaluated: 2018-06-14. Review status: criteria provided, single submitter. Criteria: GeneDx Variant Classification (06012015). Collection method: clinical testing. Allele origin: germline. Affected: yes.
Comment: This variant is considered likely benign or benign based on one or more of the following criteria: it is a conservative change, it occurs at a poorly conserved position in the protein, it is predicted to be benign by multiple in silico algorithms, and/or has population frequency not consistent with disease.

NM_003242.6(TGFBR2):c.454+74A>G

Gene: TGFBR2 (transforming growth factor beta receptor 2; plus strand). Cytogenetic location: 3p24.1.
Variant type: single nucleotide variant.
Coding change: c.454+74A>G on transcript NM_003242.6 (MANE Select); 74 bases into the intron after coding-DNA position 454, A replaced by G.
Molecular consequence: intron variant.
Genome position (GRCh38, 1-based): chr3:30,650,534, A>G. VCF-style: chr3-30650534-A-G. GRCh37 (hg19) VCF-style: chr3-30692026-A-G.
Other names: c.349+74A>G (NM_001407129.1, NM_001407132.1, NM_001407136.1 and 3 more transcripts); c.529+74A>G (NM_001407126.1, NM_001024847.3, NM_001407139.1); c.170-21104A>G (NM_001407137.1); c.454+74A>G (NM_001407127.1, NM_001407130.1); c.95-21104A>G (NM_001407138.1); c.481+74A>G (NM_001407128.1).
Identifiers: ClinVar variation 676076 (VCV000676076.2), dbSNP rs11466496, ClinGen allele CA71503503.
Genomic context (GRCh38, chr3:30,650,534, plus strand): 5'-TCTTAAGGGTGTGGGACCTGAGATCTGTGCCAATTTTTTGTATCCTTGGTCTGCAGTGTC[A>G]TAGAGCACATTCCTCCTGTGGTGGATTGCATACAGTGGATTAGGAGCTCATTCAGCTGGT-3'